The following is an entry in ClinVar:

ClinVar aggregate classification (germline): Benign (1 of 4 stars; one submission).

Allele frequency attached by ClinVar (database versions not stated): gnomAD 0.00081; gnomAD exomes 0.00094; 1000 Genomes Project 30x 0.00016; 1000 Genomes Project 0.00020; TOPMed 0.00044.
gnomAD v4.1: 347 of 398,464 alleles (0.087%); highest among the groups gnomAD compares: Non-Finnish European, 0.12%; no homozygotes.

Submission:

CeGaT Center for Human Genetics Tuebingen
Classification: Benign. Last evaluated: 2026-07-01. Review status: criteria provided, single submitter. Criteria: CeGaT Center For Human Genetics Tuebingen Variant Classification Criteria Version 2. Collection method: clinical testing. Allele origin: germline. Affected: yes. Observed: 4 variant alleles.
Comment: KCNQ1OT1: BS1, BS2

NM_000218.3(KCNQ1):c.1394-20528T>A

Genes: KCNQ1 (potassium voltage-gated channel subfamily Q member 1; plus strand), KCNQ1OT1 (KCNQ1 opposite strand/antisense transcript 1; minus strand). Cytogenetic location: 11p15.5.
Variant type: single nucleotide variant.
Coding change: c.1394-20528T>A on transcript NM_000218.3 (MANE Select); 20528 bases into the intron before coding-DNA position 1394, T replaced by A.
Molecular consequence: intron variant.
Genome position (GRCh38, 1-based): chr11:2,641,433, T>A. VCF-style: chr11-2641433-T-A. GRCh37 (hg19) VCF-style: chr11-2662663-T-A.
Other names: c.1124-20528T>A (NM_001406837.1); c.1298-20528T>A (NM_001406836.1); c.854-20528T>A (NM_001406838.1); c.1013-20528T>A (NM_181798.2).
Identifiers: ClinVar variation 2570788 (VCV002570788.27), dbSNP rs181446842, ClinGen allele CA216154766.
Genomic context (GRCh38, chr11:2,641,433, plus strand): 5'-CTTATAATTACTGATGTTGGGCTTTTTTTTTTAAATATACCTGTTGGCTACTTGTATGTT[T>A]TCTTTTGAGAAATATCTATCCATGTCTTTTGCTCACTTTTTATTGGAATTAATTTGTTGT-3'